The following is an entry in ClinVar:

ClinVar aggregate classification (germline): Pathogenic (1 of 4 stars; one submission).

Conditions:
Primary ciliary dyskinesia. Also called: Ciliary dyskinesia. Identifiers: Orphanet 244, MedGen C0008780, MONDO:0016575, HP:0012265.

Submission:

Department of Human Genetics, Hannover Medical School
Classification: Pathogenic for Primary Ciliary Dyskinesia. Last evaluated: 2026-04-01. Review status: criteria provided, single submitter. Criteria: ACMG Guidelines, 2015. Collection method: research. Allele origin: germline. Affected: no.
Comment: ['PM1_supporting: Variant in mutational hotspot.', 'PM2_supporting: Variant occures does not occur as homozygous in gnomAD.', 'PVS1_protein_very_strong: Transcript ENST00000260453 is predicted to undergo NMD.']

NM_018365.4(MNS1):c.694del (p.Gln232fs)

Genes: MNS1 (meiosis specific nuclear structural 1; minus strand), TEX9 (testis expressed 9; plus strand). Cytogenetic location: 15q21.3.
Variant type: Deletion.
Coding change: c.694del on transcript NM_018365.4 (MANE Select); coding-DNA position 694, one base deleted (C; older notation c.694delC).
Protein change: p.Gln232fs; shifts the reading frame from glutamine 232.
Molecular consequence: frameshift variant. On other transcripts: intron variant (2).
Genome position (GRCh38, 1-based): chr15:56,443,847, G deleted on the plus strand (C on the coding strand, the reverse complement: MNS1 is on the minus strand). VCF-style (leftmost placement, unchanged base first): chr15-56443846-TG-T. GRCh37 (hg19) VCF-style: chr15-56736044-TG-T.
Other names: c.*30-1824del (NM_001286449.2, NM_198524.3); short protein forms Q232fs.
Identifiers: ClinVar variation 4880160 (VCV004880160.1).